The following is an entry in ClinVar:

ClinVar aggregate classification (germline): Pathogenic/Likely pathogenic. Review status: criteria provided, multiple submitters, no conflicts (2 of 4 stars). 10 submissions from 10 submitters: Pathogenic (6); Likely pathogenic (3). 1 of the submissions does not count toward it. Last evaluated 2026-10-08.

Conditions:
Wilson disease (WND). Also called: Wilson's disease. Identifiers: Orphanet 905, MedGen C0019202, MONDO:0010200, OMIM 277900. Disease mechanism: loss of function.

Allele frequency attached by ClinVar (database versions not stated): gnomAD exomes below 0.00001; ExAC 0.00001; gnomAD 0.00001; TOPMed 0.00001; ESP Exome Variant Server 0.00008.
gnomAD v4.1: 7 of 1,614,132 alleles (0.00043%); highest among the groups gnomAD compares: Non-Finnish European, 0.00051%; no homozygotes.

Submissions (10):

GeneDx
Classification: Likely pathogenic. Last evaluated: 2026-10-08. Review status: criteria provided, single submitter. Criteria: GeneDx Variant Classification Process June 2021. Collection method: clinical testing. Allele origin: germline.
Comment: Not observed at significant frequency in large population cohorts (gnomAD); In silico analysis supports that this missense variant has a deleterious effect on protein structure/function; This variant is associated with the following publications: (PMID: 22692182, 11180609, 15967699, 20958917, 26819605, 19596473, 35220961, 35005072, 30466937, 17272994, 33640437, 42000590)

Myriad Genetics, Inc.
Classification: Pathogenic for Wilson disease. Last evaluated: 2026-07-09. Review status: criteria provided, single submitter. Criteria: Myriad Autosomal Dominant, Autosomal Recessive and X-Linked Classification Criteria (2023). Collection method: clinical testing. Allele origin: unknown.
Comment: NM_000053.3(ATP7B):c.3914T>C(L1305P) is a missense variant classified as pathogenic in the context of Wilson disease. L1305P has been observed in cases with relevant disease (PMID: 35220961, 33640437, 19596473, 26819605, 17272994). Relevant functional assessments of this variant are available in the literature (Pon_2011_(Abstract)). L1305P has not been observed in referenced population frequency databases. In summary, NM_000053.3(ATP7B):c.3914T>C(L1305P) is a missense variant that has been observed more frequently in cases with the relevant disease than in healthy populations. Please note: this variant was assessed in the context of healthy population screening.

Variantyx, Inc.
Classification: Likely pathogenic for Wilson disease. Last evaluated: 2025-05-21. Review status: criteria provided, single submitter. Criteria: Variantyx Assertion Criteria 2022. Collection method: clinical testing. Allele origin: germline. Inheritance: Autosomal recessive inheritance. Affected: no.
Comment: This is a nonsynonymous variant in the ATP7B gene (OMIM: 606882). Pathogenic variants in this gene have been associated with autosomal recessive Wilson disease. This variant has been identified in the homozygous or compound heterozygous state in multiple affected individuals reported in the published literature (PMID: 17272994, 26819605, 18371106, 11180609, 19596473, 35005072, 35220961, 35005072, 33640437). (PM3_Strong). Multiple computational algorithms predict a deleterious effect for this variant (REVEL score: 0.868) (PP3). It has a 0.0005% maximum allele frequency in non-founder control populations (PM2). Based on the current evidence, this variant is classified as likely pathogenic for autosomal recessive Wilson disease.

Natera, Inc.
Classification: Pathogenic for Wilson disease. Last evaluated: 2025-04-23. Review status: criteria provided, single submitter. Criteria: Natera Variant Classification Schema (03/2026). Collection method: clinical testing. Allele origin: germline.
Comment: The c.3914T>C variant in ATP7B is a missense variant predicted to cause substitution of leucine to proline at amino acid 1305. This variant is rare in the general population with a frequency below the threshold expected for the associated phenotype(s). This variant has been observed in one or more individuals affected with the associated recessive disease, as either homozygous or compound heterozygous with a second variant (PMID: 35220961, 33640437, 30466937, 26819605, 19596473, 16234011). Computational prediction algorithms indicate this variant is likely to affect gene or protein function. Given the available evidence, this variant is classified as Pathogenic.

CeGaT Center for Human Genetics Tuebingen
Classification: Pathogenic. Last evaluated: 2025-02-01. Review status: criteria provided, single submitter. Criteria: CeGaT Center For Human Genetics Tuebingen Variant Classification Criteria Version 2. Collection method: clinical testing. Allele origin: germline. Affected: yes. Observed: 1 variant allele.
Comment: ATP7B: PM3:Very Strong, PM2, PP3, PP4

Lildballe Lab, Aarhus University Hospital
Classification: Pathogenic for Wilson disease. Last evaluated: 2024-08-29. Review status: criteria provided, single submitter. Criteria: ACMG Guidelines, 2015. Collection method: clinical testing. Allele origin: germline. Affected: yes.
Comment: PP3, PP5, PM1, PM2

Labcorp Genetics (formerly Invitae), Labcorp
Classification: Pathogenic for Wilson disease. Last evaluated: 2024-01-22. Review status: criteria provided, single submitter. Criteria: Invitae Variant Classification Sherloc (09022015). Collection method: clinical testing. Allele origin: germline.
Comment: This sequence change replaces leucine, which is neutral and non-polar, with proline, which is neutral and non-polar, at codon 1305 of the ATP7B protein (p.Leu1305Pro). This variant is present in population databases (rs377144951, gnomAD 0.0009%). This missense change has been observed in individual(s) with Wilson disease (PMID: 11180609, 17272994, 19596473, 26819605). ClinVar contains an entry for this variant (Variation ID: 582922). Advanced modeling of protein sequence and biophysical properties (such as structural, functional, and spatial information, amino acid conservation, physicochemical variation, residue mobility, and thermodynamic stability) has been performed at Invitae for this missense variant, however the output from this modeling did not meet the statistical confidence thresholds required to predict the impact of this variant on ATP7B protein function. For these reasons, this variant has been classified as Pathogenic.

Baylor Genetics
Classification: Pathogenic for Wilson disease. Last evaluated: 2023-06-07. Review status: criteria provided, single submitter. Criteria: ACMG Guidelines, 2015. Collection method: clinical testing. Allele origin: unknown.

Laboratory for Molecular Medicine, Mass General Brigham Personalized Medicine
Classification: Likely pathogenic for Wilson disease. Last evaluated: 2020-06-11. Review status: criteria provided, single submitter. Criteria: ACMG Guidelines, 2015. Collection method: clinical testing. Allele origin: germline.
Comment: The p.Leu1305Pro variant in ATP7B has been previously reported in at least 5 individuals with Wilson disease, including 2 of which were compound heterozygous for the pathogenic p.His1069Gln variant and one who was compound heterozygous for p.Ala1135fs; though, it doesn't appear variants were phased (Folhoffer 2007 PMID 17272994; Posada 2017 abstract; Nemeth 2015 PMID 26819605, Genschel 2000 PMID 11180609). This variant was absent from large population studies. Computational prediction tools and conservation analysis suggest that this variant may impact the protein. In summary, although additional studies are required to fully establish its clinical significance, this variant meets criteria to be classified as likely pathogenic for autosomal recessive Wilson disease. ACMG/AMP criteria applied: PM2, PM3, PP3, PP4.

All of Us Research Program, National Institutes of Health
Classification: Uncertain significance for Wilson disease. Last evaluated: 2023-05-15. Review status: flagged submission. Criteria: ACMG Guidelines, 2015. Collection method: clinical testing. Allele origin: germline. Inheritance: Autosomal recessive inheritance. Observed: 3 variant alleles, 3 heterozygotes. Not counted in ClinVar's aggregate classification.
Comment: This missense variant replaces leucine with proline at codon 1305 of the ATP7B protein. Computational prediction suggests that this variant may have deleterious impact on protein structure and function (internally defined REVEL score threshold >= 0.7, PMID: 27666373). To our knowledge, functional studies have not been reported for this variant. This variant has not been reported in individuals affected with Wilson disease in the literature. This variant has not been identified in the general population by the Genome Aggregation Database (gnomAD). The available evidence is insufficient to determine the role of this variant in disease conclusively. Therefore, this variant is classified as a Variant of Uncertain Significance.

This study involves interpretation of variants in research participants for the purpose of population health screening. Participant phenotype was not available at the time of variant classification. Additional details can be found in publication PMID: 35346344, PMCID: PMC8962531
ClinVar note: Reason: Outlier claim with insufficient supporting evidence

Literature cited by the submitters: PubMed 17272994 (cited by 4 submitters); PubMed 19596473 (cited by 4 submitters); PubMed 26819605 (cited by 5 submitters); PubMed 33640437 (cited by 3 submitters); PubMed 35220961 (cited by 3 submitters); PubMed 18371106 (cited by Variantyx, Inc. and Laboratory for Molecular Medicine, Mass General Brigham Personalized Medicine); PubMed 11180609 (cited by 3 submitters); PubMed 35005072 (cited by Variantyx, Inc.); PubMed 30466937 (cited by Natera, Inc.); PubMed 16234011 (cited by Natera, Inc.); PubMed 4 (cited by Laboratory for Molecular Medicine, Mass General Brigham Personalized Medicine).

NM_000053.4(ATP7B):c.3914T>C (p.Leu1305Pro)

Gene: ATP7B (ATPase copper transporting beta; minus strand). Cytogenetic location: 13q14.3.
Variant type: single nucleotide variant.
Coding change: c.3914T>C on transcript NM_000053.4 (MANE Select); coding-DNA position 3914, T replaced by C.
Protein change: p.Leu1305Pro; replaces leucine 1305 with proline.
Molecular consequence: missense variant.
Genome position (GRCh38, 1-based): chr13:51,937,383, A>G on the plus strand (T>C on the coding strand, the complement: ATP7B is on the minus strand). VCF-style: chr13-51937383-A-G. GRCh37 (hg19) VCF-style: chr13-52511519-A-G.
Other names: c.3293T>C, p.Leu1098Pro (NM_001005918.3); c.3581T>C, p.Leu1194Pro (NM_001243182.2); c.3680T>C, p.Leu1227Pro (NM_001330578.2); c.3662T>C, p.Leu1221Pro (NM_001330579.2); short protein forms L1305P, L1221P, L1194P, L1227P, L1098P.
Identifiers: ClinVar variation 582922 (VCV000582922.30), dbSNP rs377144951, ClinGen allele CA6988534.